The following is an entry in ClinVar:

ClinVar aggregate classification (germline): Pathogenic/Likely pathogenic. Review status: criteria provided, multiple submitters, no conflicts (2 of 4 stars). 3 submissions from 3 submitters: Pathogenic (2); Likely pathogenic (1). Last evaluated 2024-11-12.

Conditions:
Developmental and epileptic encephalopathy, 27 (DEE27). Also called: GRIN2B-Related Neurodevelopmental Disorder; Epileptic encephalopathy, early infantile, 27. Identifiers: Orphanet 3451, MedGen C4015316, MONDO:0014505, OMIM 616139.
Intellectual developmental disorder, autosomal dominant 6, with or without seizures. Also called: GRIN2B-related developmental delay, intellectual disability and autism spectrum disorder; Intellectual disability, autosomal dominant 6. Identifiers: Orphanet 589547, MedGen C3151411, MONDO:0013509, OMIM 613970.

Submissions (3):

GeneDx
Classification: Pathogenic. Last evaluated: 2024-11-12. Review status: criteria provided, single submitter. Criteria: GeneDx Variant Classification Process June 2021. Collection method: clinical testing. Allele origin: germline. Affected: yes.
Comment: Published functional studies demonstrate an adverse affected on the NMDA receptors (PMID: 35318645, 37369021); Not observed at significant frequency in large population cohorts (gnomAD); In silico analysis supports that this missense variant has a deleterious effect on protein structure/function; This variant is associated with the following publications: (PMID: 33057194, 35982159, 31785789, 28377535, 27818011, 35318645, 37369021, 28867141)

Laboratory Cellgenetics, GMDL Cellgenetics
Classification: Pathogenic for Developmental and epileptic encephalopathy, 27; Intellectual developmental disorder, autosomal dominant 6, with or without seizures. Last evaluated: 2024-06-11. Review status: criteria provided, single submitter. Criteria: ACMG Guidelines, 2015. Collection method: clinical testing. Allele origin: maternal. Inheritance: Autosomal dominant inheritance. Affected: yes. Observed: 1 variant allele, 1 heterozygote.
Comment: PS2, PS4_Moderate, PM2, PP2, PP3

Institute of Human Genetics, University of Leipzig Medical Center
Classification: Likely pathogenic for Intellectual developmental disorder, autosomal dominant 6, with or without seizures. Last evaluated: 2017-04-04. Review status: criteria provided, single submitter. Criteria: ACMG Guidelines, 2015. Collection method: clinical testing. Allele origin: de novo. Affected: yes.
Comment: This variant was identified as de novo (maternity and paternity confirmed).

Literature cited by the submitters: PubMed 28377535 (cited by Institute of Human Genetics, University of Leipzig Medical Center).

NM_000834.5(GRIN2B):c.2419G>A (p.Glu807Lys)

Gene: GRIN2B (glutamate ionotropic receptor NMDA type subunit 2B; minus strand). Cytogenetic location: 12p13.1.
Variant type: single nucleotide variant.
Coding change: c.2419G>A on transcript NM_000834.5 (MANE Select); coding-DNA position 2419, G replaced by A.
Protein change: p.Glu807Lys; replaces glutamic acid 807 with lysine.
Molecular consequence: missense variant.
Genome position (GRCh38, 1-based): chr12:13,567,204, C>T on the plus strand (G>A on the coding strand, the complement: GRIN2B is on the minus strand). VCF-style: chr12-13567204-C-T. GRCh37 (hg19) VCF-style: chr12-13720138-C-T.
Other names: short protein forms E807K.
Identifiers: ClinVar variation 916587 (VCV000916587.3), dbSNP rs1948652687, ClinGen allele CA383996584.